The following is an entry in ClinVar:

ClinVar aggregate classification (germline): Conflicting classifications of pathogenicity. Review status: criteria provided, conflicting classifications (1 of 4 stars). 3 submissions from 3 submitters: Uncertain significance (2); Likely benign (1). Last evaluated 2023-02-06.

Conditions:
Inborn genetic diseases. Identifiers: MedGen C0950123, MeSH D030342.
Developmental and epileptic encephalopathy 94 (DEE94). Also called: Epileptic encephalopathy, childhood-onset; CHD2-Related Neurodevelopmental Disorders. Identifiers: Orphanet 1942, Orphanet 2382, MedGen C3809278, MONDO:0014150, OMIM 615369.

gnomAD v4.1: 13 of 1,611,386 alleles (0.00081%); highest among the groups gnomAD compares: South Asian, 0.0011%; no homozygotes.

Submissions (3):

Labcorp Genetics (formerly Invitae), Labcorp
Classification: Likely benign for Developmental and epileptic encephalopathy 94. Last evaluated: 2023-02-06. Review status: criteria provided, single submitter. Criteria: Invitae Variant Classification Sherloc (09022015). Collection method: clinical testing. Allele origin: germline.

GeneDx
Classification: Uncertain significance. Last evaluated: 2021-02-09. Review status: criteria provided, single submitter. Criteria: GeneDx Variant Classification Process June 2021. Collection method: clinical testing. Allele origin: germline. Affected: yes.
Comment: In silico analysis, which includes protein predictors and evolutionary conservation, supports a deleterious effect; Reported in an individual with juvenile myoclonic epilepsy in published literature (Galizia et al., 2015); however, additional clinical details or segregation studies were not described; This variant is associated with the following publications: (PMID: 25783594)

Ambry Genetics
Classification: Uncertain significance for Inborn genetic diseases. Last evaluated: 2020-06-22. Review status: criteria provided, single submitter. Criteria: Ambry Variant Classification Scheme 2023. Collection method: clinical testing. Allele origin: germline.
Comment: The p.R1345Q variant (also known as c.4034G>A), located in coding exon 31 of the CHD2 gene, results from a G to A substitution at nucleotide position 4034. The arginine at codon 1345 is replaced by glutamine, an amino acid with highly similar properties. This amino acid position is highly conserved in available vertebrate species. This alteration was identified in an individual with photosensitive juvenile myoclonic epilepsy (Galizia EC et al. Brain, 2015 May;138:1198-207). In addition, the in silico prediction for this alteration is inconclusive. Since supporting evidence is limited at this time, the clinical significance of this alteration remains unclear.

Literature cited by the submitters: PubMed 25783594 (cited by Ambry Genetics).

NM_001271.4(CHD2):c.4034G>A (p.Arg1345Gln)

Gene: CHD2 (chromodomain helicase DNA binding protein 2; plus strand). Cytogenetic location: 15q26.1.
Variant type: single nucleotide variant.
Coding change: c.4034G>A on transcript NM_001271.4 (MANE Select); coding-DNA position 4034, G replaced by A.
Protein change: p.Arg1345Gln; replaces arginine 1345 with glutamine.
Molecular consequence: missense variant.
Genome position (GRCh38, 1-based): chr15:93,000,537, G>A. VCF-style: chr15-93000537-G-A. GRCh37 (hg19) VCF-style: chr15-93543767-G-A.
Other names: short protein forms R1345Q.
Identifiers: ClinVar variation 643457 (VCV000643457.16), dbSNP rs751507887, ClinGen allele CA393900345.